The following is an entry in ClinVar:

NM_000382.3(ALDH3A2):c.832G>A (p.Asp278Asn)

Gene: ALDH3A2 (aldehyde dehydrogenase 3 family member A2; plus strand). Cytogenetic location: 17p11.2.
Variant type: single nucleotide variant.
Coding change: c.832G>A on transcript NM_000382.3 (MANE Select); coding-DNA position 832, G replaced by A.
Protein change: p.Asp278Asn; replaces aspartic acid 278 with asparagine.
Molecular consequence: missense variant.
Genome position (GRCh38, 1-based): chr17:19,661,160, G>A. VCF-style: chr17-19661160-G-A. GRCh37 (hg19) VCF-style: chr17-19564473-G-A.
Other names: c.832G>A, p.Asp278Asn (NM_001031806.2, NM_001369136.1, NM_001369137.2 and 3 more transcripts); c.253G>A, p.Asp85Asn (NM_001369148.2); short protein forms D85N, D278N.
Identifiers: ClinVar variation 1039352 (VCV001039352.3), dbSNP rs934749419, ClinGen allele CA288550069.
Genomic context (GRCh38, chr17:19,661,160, plus strand): 5'-TTTATATACTCCTGTTGTTTTAAATAGGAATTTTATGGAGAAAATATAAAAGAGTCTCCT[G>A]ATTATGAAAGGATCATCAATCTTCGTCATTTTAAGAGGATACTAAGTTTGCTTGAAGGAC-3'
Protein context (NP_000373.1, residues 268-288): FYGENIKESP[Asp278Asn]YERIINLRHF

ClinVar aggregate classification (germline): Uncertain significance. Review status: criteria provided, single submitter (1 of 4 stars). 2 submissions from 2 submitters: Uncertain significance (1). 1 of the submissions does not count toward it. Last evaluated 2022-01-02.

Conditions:
Sjögren-Larsson syndrome (SLS). Also called: FALDH DEFICIENCY; FATTY ALCOHOL:NAD+ OXIDOREDUCTASE DEFICIENCY; FATTY ALDEHYDE DEHYDROGENASE DEFICIENCY; ICHTHYOSIS, SPASTIC NEUROLOGIC DISORDER, AND OLIGOPHRENIA. Identifiers: Orphanet 816, MedGen C0037231, MONDO:0010031, OMIM 270200.

Allele frequency attached by ClinVar (database versions not stated): TOPMed below 0.00001; gnomAD 0.00001; gnomAD exomes 0.00001.
gnomAD v4.1: 5 of 1,612,404 alleles (0.00031%); highest among the groups gnomAD compares: Non-Finnish European, 0.00042%; no homozygotes.

Submissions (2):

Labcorp Genetics (formerly Invitae), Labcorp
Classification: Uncertain significance. Last evaluated: 2022-01-02. Review status: criteria provided, single submitter. Criteria: Invitae Variant Classification Sherloc (09022015). Collection method: clinical testing. Allele origin: germline.
Comment: This sequence change replaces aspartic acid, which is acidic and polar, with asparagine, which is neutral and polar, at codon 278 of the ALDH3A2 protein (p.Asp278Asn). This variant is not present in population databases (gnomAD no frequency). This variant has not been reported in the literature in individuals affected with ALDH3A2-related conditions. ClinVar contains an entry for this variant (Variation ID: 1039352). Algorithms developed to predict the effect of missense changes on protein structure and function are either unavailable or do not agree on the potential impact of this missense change (SIFT: "Deleterious"; PolyPhen-2: "Probably Damaging"; Align-GVGD: "Class C15"). In summary, the available evidence is currently insufficient to determine the role of this variant in disease. Therefore, it has been classified as a Variant of Uncertain Significance.

Natera, Inc.
Classification: Uncertain significance for Sjögren-Larsson syndrome. Last evaluated: 2020-09-24. Review status: no assertion criteria provided. Collection method: clinical testing. Allele origin: germline. Not counted in ClinVar's aggregate classification.